The following is an entry in ClinVar:

NM_001205293.3(CACNA1E):c.193G>T (p.Val65Phe)

Gene: CACNA1E (calcium voltage-gated channel subunit alpha1 E; plus strand). Cytogenetic location: 1q25.3.
Variant type: single nucleotide variant.
Coding change: c.193G>T on transcript NM_001205293.3 (MANE Select); coding-DNA position 193, G replaced by T.
Protein change: p.Val65Phe; replaces valine 65 with phenylalanine.
Molecular consequence: missense variant.
Genome position (GRCh38, 1-based): chr1:181,483,937, G>T. VCF-style: chr1-181483937-G-T. GRCh37 (hg19) VCF-style: chr1-181453073-G-T.
Other names: c.193G>T, p.Val65Phe (NM_000721.4, NM_001205294.2); short protein forms V65F.
Identifiers: ClinVar variation 4799978 (VCV004799978.1).
Genomic context (GRCh38, chr1:181,483,937, plus strand): 5'-CAGAGGGCGCGGACTATGGCTTTGTACAACCCCATTCCCGTCCGGCAGAACTGTTTCACC[G>T]TCAACAGATCCCTGTTCATCTTCGGAGAAGATAACATTGTCAGGAAATATGCCAAGAAGC-3'
Protein context (NP_001192222.1, residues 55-75): PIPVRQNCFT[Val65Phe]NRSLFIFGED

ClinVar aggregate classification (germline): Uncertain significance (1 of 4 stars; one submission).

gnomAD v4.1: 9 of 1,613,390 alleles (0.00056%); highest among the groups gnomAD compares: Non-Finnish European, 0.00068%; no homozygotes.

Submission:

Labcorp Genetics (formerly Invitae), Labcorp
Classification: Uncertain significance. Last evaluated: 2025-11-12. Review status: criteria provided, single submitter. Criteria: Invitae Variant Classification Sherloc (09022015). Collection method: clinical testing. Allele origin: germline.
Comment: This sequence change replaces valine, which is neutral and non-polar, with phenylalanine, which is neutral and non-polar, at codon 65 of the CACNA1E protein (p.Val65Phe). This variant is present in population databases (rs779908347, gnomAD 0.002%). This variant has not been reported in the literature in individuals affected with CACNA1E-related conditions. Invitae Evidence Modeling of protein sequence and biophysical properties (such as structural, functional, and spatial information, amino acid conservation, physicochemical variation, residue mobility, and thermodynamic stability) indicates that this missense variant is expected to disrupt CACNA1E protein function with a positive predictive value of 80%. In summary, the available evidence is currently insufficient to determine the role of this variant in disease. Therefore, it has been classified as a Variant of Uncertain Significance.